The following is an entry in ClinVar:

NM_033337.3(CAV3):c.439C>G (p.Leu147Val)

Genes: CAV3 (caveolin 3; plus strand), OXTR (oxytocin receptor; minus strand). Cytogenetic location: 3p25.3.
Variant type: single nucleotide variant.
Coding change: c.439C>G on transcript NM_033337.3 (MANE Select); coding-DNA position 439, C replaced by G.
Protein change: p.Leu147Val; replaces leucine 147 with valine.
Molecular consequence: missense variant.
Genome position (GRCh38, 1-based): chr3:8,745,850, C>G. VCF-style: chr3-8745850-C-G. GRCh37 (hg19) VCF-style: chr3-8787536-C-G.
Other names: c.439C>G, p.Leu147Val (NM_001234.5); short protein forms L147V.
Identifiers: ClinVar variation 3228207 (VCV003228207.1), dbSNP rs2470062863, ClinGen allele CA351663780.

ClinVar aggregate classification (germline): Uncertain significance (1 of 4 stars; one submission).

Conditions:
Cardiovascular phenotype. Identifiers: MedGen CN230736.

gnomAD v4.1: 1 of 1,612,364 alleles (0.000062%); highest among the groups gnomAD compares: Non-Finnish European, 0.000085%; no homozygotes.

Submission:

Ambry Genetics
Classification: Uncertain significance for Cardiovascular phenotype. Last evaluated: 2024-01-22. Review status: criteria provided, single submitter. Criteria: Ambry Variant Classification Scheme 2023. Collection method: clinical testing. Allele origin: germline.
Comment: The p.L147V variant (also known as c.439C>G), located in coding exon 2 of the CAV3 gene, results from a C to G substitution at nucleotide position 439. The leucine at codon 147 is replaced by valine, an amino acid with highly similar properties. This amino acid position is conserved. In addition, the in silico prediction for this alteration is inconclusive. Based on the available evidence, the clinical significance of this alteration remains unclear.